The following is an entry in ClinVar:

ClinVar aggregate classification (germline): Uncertain significance. Review status: criteria provided, multiple submitters, no conflicts (2 of 4 stars). 2 submissions from 2 submitters: Uncertain significance (2). Last evaluated 2022-05-12.

Conditions:
Inborn genetic diseases. Identifiers: MedGen C0950123, MeSH D030342.
Epidermolysis bullosa simplex 3, localized or generalized intermediate, with BP230 deficiency (EBS3). Also called: Epidermolysis bullosa simplex, autosomal recessive 2; Epidermolysis bullosa simplex due to BP230 deficiency. Identifiers: Orphanet 412181, MedGen C3809470, MONDO:0014180, OMIM 615425.
Hereditary sensory and autonomic neuropathy type 6. Also called: Neuropathy, hereditary sensory and autonomic, type VI; HSAN VI. Identifiers: Orphanet 314381, MedGen C3539003, MONDO:0013839, OMIM 614653.

Allele frequency attached by ClinVar (database versions not stated): ExAC 0.00001; gnomAD 0.00001; gnomAD exomes 0.00001; TOPMed 0.00005.
gnomAD v4.1: 23 of 1,612,972 alleles (0.0014%); highest among the groups gnomAD compares: Admixed American, 0.0033%; no homozygotes.

Submissions (2):

Labcorp Genetics (formerly Invitae), Labcorp
Classification: Uncertain significance for Epidermolysis bullosa simplex 3, localized or generalized intermediate, with BP230 deficiency; Hereditary sensory and autonomic neuropathy type 6. Last evaluated: 2022-05-12. Review status: criteria provided, single submitter. Criteria: Invitae Variant Classification Sherloc (09022015). Collection method: clinical testing. Allele origin: germline.
Comment: The DST gene has multiple clinically relevant transcripts. This variant occurs in alternate transcript NM_015548.4, and corresponds to NM_001723.5:c.*23265C>T in the primary transcript. This sequence change replaces alanine, which is neutral and non-polar, with valine, which is neutral and non-polar, at codon 1655 of the DST protein (p.Ala1655Val). This variant is present in population databases (rs772339057, gnomAD 0.003%). This variant has not been reported in the literature in individuals affected with DST-related conditions. Experimental studies and prediction algorithms are not available or were not evaluated, and the functional significance of this variant is currently unknown. Algorithms developed to predict the effect of sequence changes on RNA splicing suggest that this variant may create or strengthen a splice site. In summary, the available evidence is currently insufficient to determine the role of this variant in disease. Therefore, it has been classified as a Variant of Uncertain Significance.

Ambry Genetics
Classification: Uncertain significance for Inborn genetic diseases. Last evaluated: 2021-03-23. Review status: criteria provided, single submitter. Criteria: Ambry Variant Classification Scheme 2023. Collection method: clinical testing. Allele origin: germline.
Comment: The p.A2159V variant (also known as c.6476C>T), located in coding exon 43 of the DST gene, results from a C to T substitution at nucleotide position 6476. The alanine at codon 2159 is replaced by valine, an amino acid with similar properties. This amino acid position is not well conserved in available vertebrate species, and valine is the reference amino acid in other vertebrate species. In addition, this alteration is predicted to be tolerated by in silico analysis. Since supporting evidence is limited at this time, the clinical significance of this alteration remains unclear.

NM_001374736.1(DST):c.12833C>T (p.Ala4278Val)

Gene: DST (dystonin; minus strand). Cytogenetic location: 6p12.1.
Variant type: single nucleotide variant.
Coding change: c.12833C>T on transcript NM_001374736.1 (MANE Select); coding-DNA position 12833, C replaced by T.
Protein change: p.Ala4278Val; replaces alanine 4278 with valine.
Molecular consequence: missense variant.
Genome position (GRCh38, 1-based): chr6:56,592,252, G>A on the plus strand (C>T on the coding strand, the complement: DST is on the minus strand). VCF-style: chr6-56592252-G-A. GRCh37 (hg19) VCF-style: chr6-56457050-G-A.
Other names: c.6476C>T, p.Ala2159Val (NM_001144769.5); c.6062C>T, p.Ala2021Val (NM_001144770.2); c.12833C>T, p.Ala4278Val (NM_001374722.1); c.12200C>T, p.Ala4067Val (NM_001374729.1); c.5942C>T, p.Ala1981Val (NM_001374730.1, NM_183380.4); c.12860C>T, p.Ala4287Val (NM_001374734.1); c.4964C>T, p.Ala1655Val (NM_015548.5); short protein forms A1655V, A1981V, A2159V, A4278V, A2021V, A4067V, A4287V.
Identifiers: ClinVar variation 964702 (VCV000964702.8), dbSNP rs772339057, ClinGen allele CA3868383.
Genomic context (GRCh38, chr6:56,592,252, plus strand): 5'-TCTAATTGCCTTTGAAGATTTTTGGGGTCCACCGCAATAGGTTCAGATAAGTGTTTGCTC[G>A]CTGTGGCCTCACAGGCCTGGAGTCCAGCAAGAAGTCCACATGAAGCATCTTCATAGTGTT-3'
Protein context (NP_001361665.1, residues 4268-4288): LAGLQACEAT[Ala4278Val]SKHLSEPIAV